The following is an entry in ClinVar:

ClinVar aggregate classification (germline): Pathogenic (1 of 4 stars; one submission).

Conditions:
Fanconi anemia complementation group A (FANCA). Also called: Fanconi anemia, group A; FANCA-Related Fanconi Anemia. Identifiers: Orphanet 84, MedGen C3469521, MONDO:0009215, OMIM 227650.

Submission:

St. Jude Molecular Pathology, St. Jude Children's Research Hospital
Classification: Pathogenic for Fanconi anemia complementation group A. Last evaluated: 2022-04-06. Review status: criteria provided, single submitter. Criteria: St. Jude Assertion Criteria 2020. Collection method: clinical testing. Allele origin: germline.
Comment: The FANCA c.1471-490_3627-655del variant is a gross intragenic deletion encompassing exons 16-36 of the FANCA gene. This results in out-of-frame deletion of exon 16 to exon 36 and is expected to result in a disrupted protein product. A deletion comprising this region is present in gnomAD SVs v2.1 with a maximum subpopulation frequency of 0.021%. Similar deletions have been reported in individuals with Fanconi anemia (PMID: 9711872, 28690869, 29098742, 29702541). Loss-of-function variants in FANCA are known to be pathogenic (PMID: 19367192). In summary, this variant meets criteria to be classified as pathogenic.

NM_000135.2:c.1471-490_3627-655del

Gene: FANCA (FA complementation group A; minus strand).
Variant type: Deletion.
Identifiers: ClinVar variation 1691529 (VCV001691529.4).